The following is an entry in ClinVar:

NM_000264.5(PTCH1):c.3464T>G (p.Val1155Gly)

Gene: PTCH1 (patched 1; minus strand). Cytogenetic location: 9q22.32.
Variant type: single nucleotide variant.
Coding change: c.3464T>G on transcript NM_000264.5 (MANE Select); coding-DNA position 3464, T replaced by G.
Protein change: p.Val1155Gly; replaces valine 1155 with glycine.
Molecular consequence: missense variant. On other transcripts: non-coding transcript variant (1).
Genome position (GRCh38, 1-based): chr9:95,449,926, A>C on the plus strand (T>G on the coding strand, the complement: PTCH1 is on the minus strand). VCF-style: chr9-95449926-A-C. GRCh37 (hg19) VCF-style: chr9-98212208-A-C.
Other names: c.3266T>G, p.Val1089Gly (NM_001083602.3); c.3461T>G, p.Val1154Gly (NM_001083603.3); c.3011T>G, p.Val1004Gly (NM_001083604.3, NM_001083605.3, NM_001083606.3 and 1 more transcripts); c.3308T>G, p.Val1103Gly (NM_001354918.2); short protein forms V1004G, V1089G, V1103G, V1154G, V1155G.
Identifiers: ClinVar variation 4801793 (VCV004801793.1).
Genomic context (GRCh38, chr9:95,449,926, plus strand): 5'-AAAAGCACGGGAAGCAAAACCAGCCCATTGAGAACGCCGAGGATGGTGAGGATCGCCAGC[A>C]CAGCAAAGAAATACCTGGGAGATCAAGAGGAAACGGGAACACGCGCTGTGACAGGGTGGA-3'
Protein context (NP_000255.2, residues 1145-1165): FDFIVRYFFA[Val1155Gly]LAILTILGVL

ClinVar aggregate classification (germline): Uncertain significance (1 of 4 stars; one submission).

Conditions:
Gorlin syndrome. Also called: Nevoid Basal Cell Carcinoma Syndrome; Basal cell nevus syndrome. Identifiers: Orphanet 377, MedGen C0004779, MONDO:0007187.

Submission:

Labcorp Genetics (formerly Invitae), Labcorp
Classification: Uncertain significance for Gorlin syndrome. Last evaluated: 2025-03-30. Review status: criteria provided, single submitter. Criteria: Invitae Variant Classification Sherloc (09022015). Collection method: clinical testing. Allele origin: germline.
Comment: This sequence change replaces valine, which is neutral and non-polar, with glycine, which is neutral and non-polar, at codon 1155 of the PTCH1 protein (p.Val1155Gly). This variant is not present in population databases (gnomAD no frequency). This variant has not been reported in the literature in individuals affected with PTCH1-related conditions. Invitae Evidence Modeling of protein sequence and biophysical properties (such as structural, functional, and spatial information, amino acid conservation, physicochemical variation, residue mobility, and thermodynamic stability) has been performed for this missense variant. However, the output from this modeling did not meet the statistical confidence thresholds required to predict the impact of this variant on PTCH1 protein function. In summary, the available evidence is currently insufficient to determine the role of this variant in disease. Therefore, it has been classified as a Variant of Uncertain Significance.